The following is an entry in ClinVar:

ClinVar aggregate classification (germline): Conflicting classifications of pathogenicity. Review status: criteria provided, conflicting classifications (1 of 4 stars). 3 submissions from 3 submitters: Uncertain significance (1); Likely benign (1). 1 of the submissions does not count toward it. Last evaluated 2025-12-09.

Conditions:
Hereditary cancer-predisposing syndrome. Also called: Neoplastic Syndromes, Hereditary; Hereditary Cancer Syndrome; Tumor predisposition; Hereditary neoplastic syndrome. Identifiers: Orphanet 140162, MedGen C0027672, MeSH D009386, MONDO:0015356.
Bloom syndrome (BLM). Also called: Bloom-Torre-Machacek syndrome. Identifiers: Orphanet 125, MedGen C0005859, MONDO:0008876, OMIM 210900.

Allele frequency attached by ClinVar (database versions not stated): ExAC 0.00001; gnomAD exomes 0.00001 and 0.00002.

Submissions (3):

Labcorp Genetics (formerly Invitae), Labcorp
Classification: Uncertain significance for Bloom syndrome. Last evaluated: 2025-12-09. Review status: criteria provided, single submitter. Criteria: Invitae Variant Classification Sherloc (09022015). Collection method: clinical testing. Allele origin: germline.
Comment: This sequence change replaces aspartic acid, which is acidic and polar, with asparagine, which is neutral and polar, at codon 133 of the BLM protein (p.Asp133Asn). This variant is present in population databases (rs762621627, gnomAD 0.01%). This variant has not been reported in the literature in individuals affected with BLM-related conditions. ClinVar contains an entry for this variant (Variation ID: 971540). An algorithm developed to predict the effect of missense changes on protein structure and function outputs the following: PolyPhen-2: "Benign". The asparagine amino acid residue is found in multiple mammalian species, which suggests that this missense change does not adversely affect protein function. In summary, the available evidence is currently insufficient to determine the role of this variant in disease. Therefore, it has been classified as a Variant of Uncertain Significance.

Ambry Genetics
Classification: Likely benign for Hereditary cancer-predisposing syndrome. Last evaluated: 2021-08-02. Review status: criteria provided, single submitter. Criteria: Ambry Variant Classification Scheme 2023. Collection method: clinical testing. Allele origin: germline.

Natera, Inc.
Classification: Uncertain significance for Bloom syndrome. Last evaluated: 2020-10-23. Review status: no assertion criteria provided. Collection method: clinical testing. Allele origin: germline. Not counted in ClinVar's aggregate classification.

NM_000057.4(BLM):c.397G>A (p.Asp133Asn)

Gene: BLM (BLM RecQ like helicase; plus strand). Cytogenetic location: 15q26.1.
Variant type: single nucleotide variant.
Coding change: c.397G>A on transcript NM_000057.4 (MANE Select); coding-DNA position 397, G replaced by A.
Protein change: p.Asp133Asn; replaces aspartic acid 133 with asparagine.
Molecular consequence: missense variant. On other transcripts: 5 prime UTR variant (1).
Genome position (GRCh38, 1-based): chr15:90,749,665, G>A. VCF-style: chr15-90749665-G-A. GRCh37 (hg19) VCF-style: chr15-91292895-G-A.
Other names: c.397G>A, p.Asp133Asn (NM_001287246.2, NM_001287247.2); c.-895G>A (NM_001287248.2); c.397G>A (NM_000057.2); short protein forms D133N.
Identifiers: ClinVar variation 971540 (VCV000971540.14), dbSNP rs762621627, ClinGen allele CA7738289.